The following is an entry in ClinVar:

ClinVar aggregate classification (germline): Uncertain significance (1 of 4 stars; one submission).

Conditions:
Inborn genetic diseases. Identifiers: MedGen C0950123, MeSH D030342.

Submission:

Ambry Genetics
Classification: Uncertain significance for Inborn genetic diseases. Last evaluated: 2018-05-17. Review status: criteria provided, single submitter. Criteria: Ambry Variant Classification Scheme 2023. Collection method: clinical testing. Allele origin: germline.
Comment: The p.F555L variant (also known as c.1663T>C), located in coding exon 16 of the HUWE1 gene, results from a T to C substitution at nucleotide position 1663. The phenylalanine at codon 555 is replaced by leucine, an amino acid with highly similar properties. This amino acid position is highly conserved in available vertebrate species. In addition, the in silico prediction for this alteration is inconclusive. Since supporting evidence is limited at this time, the clinical significance of this alteration remains unclear.

NM_031407.7(HUWE1):c.1663T>C (p.Phe555Leu)

Gene: HUWE1 (HECT, UBA and WWE domain containing E3 ubiquitin protein ligase 1; minus strand). Cytogenetic location: Xp11.22.
Variant type: single nucleotide variant.
Coding change: c.1663T>C on transcript NM_031407.7 (MANE Select); coding-DNA position 1663, T replaced by C.
Protein change: p.Phe555Leu; replaces phenylalanine 555 with leucine.
Molecular consequence: missense variant.
Genome position (GRCh38, 1-based): chrX:53,624,604, A>G on the plus strand (T>C on the coding strand, the complement: HUWE1 is on the minus strand). VCF-style: chrX-53624604-A-G. GRCh37 (hg19) VCF-style: chrX-53651565-A-G.
Other names: short protein forms F555L.
Identifiers: ClinVar variation 1777536 (VCV001777536.2), dbSNP rs2527818471, ClinGen allele CA413151228.